The following is an entry in ClinVar:

ClinVar aggregate classification (germline): Uncertain significance (1 of 4 stars; one submission).

Submission:

Labcorp Genetics (formerly Invitae), Labcorp
Classification: Uncertain significance. Last evaluated: 2022-06-10. Review status: criteria provided, single submitter. Criteria: Invitae Variant Classification Sherloc (09022015). Collection method: clinical testing. Allele origin: germline.
Comment: This sequence change replaces glutamic acid, which is acidic and polar, with glutamine, which is neutral and polar, at codon 797 of the TNNI3K protein (p.Glu797Gln). This variant is not present in population databases (gnomAD no frequency). This variant has not been reported in the literature in individuals affected with TNNI3K-related conditions. Algorithms developed to predict the effect of missense changes on protein structure and function are either unavailable or do not agree on the potential impact of this missense change (SIFT: "Deleterious"; PolyPhen-2: "Benign"; Align-GVGD: "Class C0"). In summary, the available evidence is currently insufficient to determine the role of this variant in disease. Therefore, it has been classified as a Variant of Uncertain Significance.

NM_015978.3(TNNI3K):c.2389G>C (p.Glu797Gln)

Genes: FPGT-TNNI3K (FPGT-TNNI3K readthrough; plus strand), TNNI3K (TNNI3 interacting kinase; plus strand). Cytogenetic location: 1p31.1.
Variant type: single nucleotide variant.
Coding change: c.2389G>C on transcript NM_015978.3 (MANE Select); coding-DNA position 2389, G replaced by C.
Protein change: p.Glu797Gln; replaces glutamic acid 797 with glutamine.
Molecular consequence: missense variant.
Genome position (GRCh38, 1-based): chr1:74,540,271, G>C. VCF-style: chr1-74540271-G-C. GRCh37 (hg19) VCF-style: chr1-75005955-G-C.
Other names: c.2692G>C, p.Glu898Gln (NM_001112808.3); short protein forms E797Q, E898Q.
Identifiers: ClinVar variation 2001326 (VCV002001326.4), dbSNP rs2100463705, ClinGen allele CA340799205.